The following is an entry in ClinVar:

ClinVar aggregate classification (germline): Likely benign. Review status: criteria provided, multiple submitters, no conflicts (2 of 4 stars). 9 submissions from 9 submitters: Likely benign (6). 3 of the submissions do not count toward it. Last evaluated 2026-03-31.

Conditions:
Cardiovascular phenotype. Identifiers: MedGen CN230736.
MYH6-related disorder. Also called: MYH6-related condition; MYH6-Related Disorders.
Hypertrophic cardiomyopathy 14. Identifiers: MedGen C2750467, MONDO:0013197, OMIM 613251.

Allele frequency attached by ClinVar (database versions not stated): gnomAD 0.00009 and 0.00011; ExAC 0.00006; gnomAD exomes 0.00006 and 0.00008; TOPMed 0.00007; ESP Exome Variant Server 0.00008.

Submissions (9):

PreventionGenetics, part of Exact Sciences
Classification: Likely benign for MYH6-related condition. Last evaluated: 2026-03-31. Review status: criteria provided, single submitter. Criteria: ACMG Guidelines, 2015. Collection method: clinical testing. Allele origin: germline.
Comment: This variant is classified as likely benign based on ACMG/AMP sequence variant interpretation guidelines (Richards et al. 2015 PMID: 25741868, with internal and published modifications).

Labcorp Genetics (formerly Invitae), Labcorp
Classification: Likely benign for Hypertrophic cardiomyopathy 14. Last evaluated: 2025-12-08. Review status: criteria provided, single submitter. Criteria: Invitae Variant Classification Sherloc (09022015). Collection method: clinical testing. Allele origin: germline.

CeGaT Center for Human Genetics Tuebingen
Classification: Likely benign. Last evaluated: 2025-10-01. Review status: criteria provided, single submitter. Criteria: CeGaT Center For Human Genetics Tuebingen Variant Classification Criteria Version 2. Collection method: clinical testing. Allele origin: germline. Affected: yes. Observed: 1 variant allele.
Comment: MYH6: BP4, BP7

Blueprint Genetics
Classification: Likely benign. Last evaluated: 2024-11-21. Review status: criteria provided, single submitter. Criteria: ACMG Guidelines, 2015. Collection method: clinical testing. Allele origin: germline.

Ambry Genetics
Classification: Likely benign for Cardiovascular phenotype. Last evaluated: 2016-10-27. Review status: criteria provided, single submitter. Criteria: Ambry Variant Classification Scheme 2023. Collection method: clinical testing. Allele origin: germline.

Breakthrough Genomics
Classification: Likely benign. Review status: criteria provided, single submitter. Criteria: ACMG Guidelines, 2015. Collection method: not provided. Allele origin: germline. Inheritance: Autosomal dominant inheritance. Affected: yes.

Clinical Genetics DNA and cytogenetics Diagnostics Lab, Erasmus MC, Erasmus Medical Center
Classification: Likely benign. Review status: no assertion criteria provided. Collection method: clinical testing. Allele origin: germline. Affected: yes. Study: VKGL Data-share Consensus. Not counted in ClinVar's aggregate classification.

Clinical Genetics, Academic Medical Center
Classification: Benign. Review status: no assertion criteria provided. Collection method: clinical testing. Allele origin: germline. Affected: yes. Study: VKGL Data-share Consensus. Not counted in ClinVar's aggregate classification.

Diagnostic Laboratory, Department of Genetics, University Medical Center Groningen
Classification: Likely benign. Review status: no assertion criteria provided. Collection method: clinical testing. Allele origin: germline. Affected: yes. Study: VKGL Data-share Consensus. Not counted in ClinVar's aggregate classification.

NM_002471.4(MYH6):c.1599C>T (p.Ser533=)

Gene: MYH6 (myosin heavy chain 6; minus strand). Cytogenetic location: 14q11.2.
Variant type: single nucleotide variant.
Coding change: c.1599C>T on transcript NM_002471.4 (MANE Select); coding-DNA position 1599, C replaced by T.
Protein change: p.Ser533=; no amino-acid change (serine 533 retained).
Molecular consequence: synonymous variant.
Genome position (GRCh38, 1-based): chr14:23,399,020, G>A on the plus strand (C>T on the coding strand, the complement: MYH6 is on the minus strand). VCF-style: chr14-23399020-G-A. GRCh37 (hg19) VCF-style: chr14-23868229-G-A.
Identifiers: ClinVar variation 470509 (VCV000470509.29), dbSNP rs371263768, ClinGen allele CA7115738.